The following is an entry in ClinVar:

ClinVar aggregate classification (germline): Pathogenic (1 of 4 stars; one submission).

Conditions:
Neuromuscular disease caused by qualitative or quantitative defects of dysferlin. Also called: Dysferlinopathy; Qualitative or quantitative defects of dysferlin. Identifiers: Orphanet 207073, MedGen C2931687, MONDO:0016145.

Submission:

Labcorp Genetics (formerly Invitae), Labcorp
Classification: Pathogenic for Neuromuscular disease caused by qualitative or quantitative defects of dysferlin. Last evaluated: 2022-10-03. Review status: criteria provided, single submitter. Criteria: Invitae Variant Classification Sherloc (09022015). Collection method: clinical testing. Allele origin: germline.
Comment: This variant is a gross deletion of the genomic region encompassing exon(s) 1 of the DYSF gene, which includes the initiator codon. This deletion extends beyond the assayed region for this gene and therefore may encompass additional genes. It is expected to result in an absent or disrupted protein product. Loss-of-function variants in DYSF are known to be pathogenic (PMID: 17698709, 20301480). This variant has not been reported in the literature in individuals affected with DYSF-related conditions. For these reasons, this variant has been classified as Pathogenic.

Literature cited by the submitters: PubMed 17698709; PubMed 20301480.

NC_000002.11:g.(?_71681119)_(71694073_?)del

Gene: DYSF (dysferlin; plus strand). Cytogenetic location: 2p13.2.
Variant type: Deletion.
Identifiers: ClinVar variation 2424689 (VCV002424689.3).